The following is an entry in ClinVar:

NM_032898.5(CEP19):c.211G>A (p.Glu71Lys)

Gene: CEP19 (centrosomal protein 19; minus strand). Cytogenetic location: 3q29.
Variant type: single nucleotide variant.
Coding change: c.211G>A on transcript NM_032898.5 (MANE Select); coding-DNA position 211, G replaced by A.
Protein change: p.Glu71Lys; replaces glutamic acid 71 with lysine.
Molecular consequence: missense variant.
Genome position (GRCh38, 1-based): chr3:196,707,832, C>T on the plus strand (G>A on the coding strand, the complement: CEP19 is on the minus strand). VCF-style: chr3-196707832-C-T. GRCh37 (hg19) VCF-style: chr3-196434703-C-T.
Other names: c.106G>A, p.Glu36Lys (NM_001379468.1); c.211G>A, p.Glu71Lys (NM_001379469.1, NM_001379470.1); short protein forms E36K, E71K.
Identifiers: ClinVar variation 1367441 (VCV001367441.8), dbSNP rs746061097, ClinGen allele CA2782125.
Genomic context (GRCh38, chr3:196,707,832, plus strand): 5'-CCATTGTTTCTGCCAGACTCTGCCCCGACAAGTAACCTCGTAAAAAACTGAATAGCTTCT[C>T]TAGCTGCCTCAGGGATACTTGTTCTAGGTAACTCTTGTGTCGCGGATTATTCTTTAATTG-3'
Protein context (NP_116287.3, residues 61-81): YLEQVSLRQL[Glu71Lys]KLFSFLRGYL

ClinVar aggregate classification (germline): Uncertain significance (1 of 4 stars; one submission).

Allele frequency attached by ClinVar (database versions not stated): gnomAD exomes below 0.00001; ExAC 0.00002.

Submission:

Labcorp Genetics (formerly Invitae), Labcorp
Classification: Uncertain significance. Last evaluated: 2022-03-03. Review status: criteria provided, single submitter. Criteria: Invitae Variant Classification Sherloc (09022015). Collection method: clinical testing. Allele origin: germline.
Comment: In summary, the available evidence is currently insufficient to determine the role of this variant in disease. Therefore, it has been classified as a Variant of Uncertain Significance. Algorithms developed to predict the effect of missense changes on protein structure and function (SIFT, PolyPhen-2, Align-GVGD) all suggest that this variant is likely to be tolerated. This variant has not been reported in the literature in individuals affected with CEP19-related conditions. This variant is present in population databases (rs746061097, gnomAD 0.003%). This sequence change replaces glutamic acid, which is acidic and polar, with lysine, which is basic and polar, at codon 75 of the CEP19 protein (p.Glu75Lys).